The following is an entry in ClinVar:

NM_002185.5(IL7R):c.466C>T (p.Gln156Ter)

Gene: IL7R (interleukin 7 receptor; plus strand). Cytogenetic location: 5p13.2.
Variant type: single nucleotide variant.
Coding change: c.466C>T on transcript NM_002185.5 (MANE Select); coding-DNA position 466, C replaced by T.
Protein change: p.Gln156Ter; replaces glutamine 156 with a stop codon.
Molecular consequence: nonsense. On other transcripts: non-coding transcript variant (1).
Genome position (GRCh38, 1-based): chr5:35,871,142, C>T. VCF-style: chr5-35871142-C-T. GRCh37 (hg19) VCF-style: chr5-35871244-C-T.
Other names: c.466C>T, p.Gln156Ter (NM_001410734.1); short protein forms Q156*.
Identifiers: ClinVar variation 2972248 (VCV002972248.4), dbSNP rs139221577, ClinGen allele CA3231979.
Genomic context (GRCh38, chr5:35,871,142, plus strand): 5'-AGTGTCGTCTATCGGGAAGGAGCCAATGACTTTGTGGTGACATTTAATACATCACACTTG[C>T]AAAAGAAGTATGTAAAAGTTTTAATGCACGATGTAGCTTACCGCCAGGAAAAGGATGAAA-3'

ClinVar aggregate classification (germline): Pathogenic/Likely pathogenic. Review status: criteria provided, multiple submitters, no conflicts (2 of 4 stars). 2 submissions from 2 submitters: Pathogenic (1); Likely pathogenic (1). Last evaluated 2024-04-22.

Conditions:
Immunodeficiency 104. Also called: Severe combined immunodeficiency, autosomal recessive, T cell-negative, B cell-positive, NK cell-positive; Severe Combined Immune Deficiency, Autosomal Recessive, TCell -Negative, B Cell-Positive, NK Cell-Positive, IL7R-Related; IMMUNODEFICIENCY 104, SEVERE COMBINED; SCID, AUTOSOMAL RECESSIVE, T CELL-NEGATIVE, B CELL-POSITIVE, NK CELL-POSITIVE. Identifiers: MedGen C5676890, MONDO:0012163, OMIM 608971.

Allele frequency attached by ClinVar (database versions not stated): ESP Exome Variant Server 0.00008; gnomAD exomes below 0.00001; ExAC 0.00002; gnomAD 0.00005; TOPMed 0.00006.

Submissions (2):

Labcorp Genetics (formerly Invitae), Labcorp
Classification: Pathogenic for Immunodeficiency 104. Last evaluated: 2024-04-22. Review status: criteria provided, single submitter. Criteria: Invitae Variant Classification Sherloc (09022015). Collection method: clinical testing. Allele origin: germline.
Comment: This sequence change creates a premature translational stop signal (p.Gln156*) in the IL7R gene. It is expected to result in an absent or disrupted protein product. Loss-of-function variants in IL7R are known to be pathogenic (PMID: 21664875, 26123418). This variant is present in population databases (rs139221577, gnomAD 0.02%). This variant has not been reported in the literature in individuals affected with IL7R-related conditions. For these reasons, this variant has been classified as Pathogenic.

Fulgent Genetics
Classification: Likely pathogenic for Immunodeficiency 104. Last evaluated: 2024-01-12. Review status: criteria provided, single submitter. Criteria: ACMG Guidelines, 2015. Collection method: clinical testing. Allele origin: germline.

Literature cited by the submitters: PubMed 21664875 (cited by Labcorp Genetics (formerly Invitae), Labcorp); PubMed 26123418 (cited by Labcorp Genetics (formerly Invitae), Labcorp).